The following is an entry in ClinVar:

NM_182961.4(SYNE1):c.16102A>G (p.Thr5368Ala)

Gene: SYNE1 (spectrin repeat containing nuclear envelope protein 1; minus strand). Cytogenetic location: 6q25.2.
Variant type: single nucleotide variant.
Coding change: c.16102A>G on transcript NM_182961.4 (MANE Select); coding-DNA position 16102, A replaced by G.
Protein change: p.Thr5368Ala; replaces threonine 5368 with alanine.
Molecular consequence: missense variant.
Genome position (GRCh38, 1-based): chr6:152,321,372, T>C on the plus strand (A>G on the coding strand, the complement: SYNE1 is on the minus strand). VCF-style: chr6-152321372-T-C. GRCh37 (hg19) VCF-style: chr6-152642507-T-C.
Other names: c.15889A>G, p.Thr5297Ala (NM_033071.5); short protein forms T5297A, T5368A.
Identifiers: ClinVar variation 1309861 (VCV001309861.6), dbSNP rs1342214470, ClinGen allele CA366117300.

ClinVar aggregate classification (germline): Uncertain significance. Review status: criteria provided, multiple submitters, no conflicts (2 of 4 stars). 2 submissions from 2 submitters: Uncertain significance (2). Last evaluated 2022-03-08.

Conditions:
Autosomal recessive ataxia, Beauce type. Also called: Spinocerebellar ataxia, autosomal recessive 8; ATAXIA, RECESSIVE, OF BEAUCE; SYNE1 Deficiency; SYNE1-Related Autosomal Recessive Cerebellar Ataxia. Identifiers: Orphanet 88644, MedGen C1853116, MONDO:0012549, OMIM 610743.
Emery-Dreifuss muscular dystrophy 4, autosomal dominant (EDMD4). Also called: EMERY-DREIFUSS MUSCULAR DYSTROPHY 4 WITH VARIABLE FEATURES. Identifiers: Orphanet 261, MedGen C2751807, MONDO:0013071, OMIM 612998.

Allele frequency attached by ClinVar (database versions not stated): gnomAD exomes below 0.00001; TOPMed below 0.00001.
gnomAD v4.1: 1 of 1,613,894 alleles (0.000062%); highest among the groups gnomAD compares: Non-Finnish European, 0.000085%; no homozygotes.

Submissions (2):

Labcorp Genetics (formerly Invitae), Labcorp
Classification: Uncertain significance for Emery-Dreifuss muscular dystrophy 4, autosomal dominant; Autosomal recessive ataxia, Beauce type. Last evaluated: 2022-03-08. Review status: criteria provided, single submitter. Criteria: Invitae Variant Classification Sherloc (09022015). Collection method: clinical testing. Allele origin: germline.
Comment: In summary, the available evidence is currently insufficient to determine the role of this variant in disease. Therefore, it has been classified as a Variant of Uncertain Significance. Algorithms developed to predict the effect of missense changes on protein structure and function output the following: SIFT: "Tolerated"; PolyPhen-2: "Benign"; Align-GVGD: "Class C0". The alanine amino acid residue is found in multiple mammalian species, which suggests that this missense change does not adversely affect protein function. ClinVar contains an entry for this variant (Variation ID: 1309861). This variant has not been reported in the literature in individuals affected with SYNE1-related conditions. This variant is present in population databases (no rsID available, gnomAD 0.0009%). This sequence change replaces threonine, which is neutral and polar, with alanine, which is neutral and non-polar, at codon 5297 of the SYNE1 protein (p.Thr5297Ala).

GeneDx
Classification: Uncertain significance. Last evaluated: 2019-11-04. Review status: criteria provided, single submitter. Criteria: GeneDx Variant Classification Process June 2021. Collection method: clinical testing. Allele origin: germline. Affected: yes.
Comment: Not observed at a significant frequency in large population cohorts (Lek et al., 2016); In silico analysis, which includes protein predictors and evolutionary conservation, supports that this variant does not alter protein structure/function; Has not been previously published as pathogenic or benign to our knowledge